The following is an entry in ClinVar:

ClinVar aggregate classification (germline): Likely benign. Review status: criteria provided, multiple submitters, no conflicts (2 of 4 stars). 4 submissions from 4 submitters: Likely benign (3). 1 of the submissions does not count toward it. Last evaluated 2026-01-26.

Conditions:
CACNA1H-related disorder.
Hyperaldosteronism, familial, type IV (HALD4). Also called: FH IV; ALDOSTERONISM, PRIMARY, AND HYPERTENSION. Identifiers: Orphanet 642671, MedGen C4310756, MONDO:0014875, OMIM 617027.
Idiopathic generalized epilepsy. Also called: Generalised epilepsy; EIG. Identifiers: MedGen C0270850, MONDO:0005579, OMIM 600669.

Allele frequency attached by ClinVar (database versions not stated): TOPMed 0.00024; ExAC 0.00030; gnomAD 0.00031 and 0.00033; gnomAD exomes 0.00034.
gnomAD v4.1: 515 of 1,584,816 alleles (0.032%); highest among the groups gnomAD compares: Non-Finnish European, 0.037%; no homozygotes.

Submissions (5):

Labcorp Genetics (formerly Invitae), Labcorp
Classification: Likely benign for Idiopathic generalized epilepsy; Hyperaldosteronism, familial, type IV. Last evaluated: 2026-01-26. Review status: criteria provided, single submitter. Criteria: Invitae Variant Classification Sherloc (09022015). Collection method: clinical testing. Allele origin: germline.

Athena Diagnostics
Classification: Likely benign. Last evaluated: 2024-12-06. Review status: criteria provided, single submitter. Criteria: Athena Diagnostics Criteria. Collection method: clinical testing. Allele origin: unknown.
Comment: The frequency of this variant in the general population is higher than would generally be expected for pathogenic variants in this gene. Computational tools predict this amino acid change may be benign.

Blueprint Genetics
Classification: Likely benign. Last evaluated: 2024-11-22. Review status: criteria provided, single submitter. Criteria: ACMG Guidelines, 2015. Collection method: clinical testing. Allele origin: germline.

PreventionGenetics, part of Exact Sciences
Classification: Likely benign for CACNA1H-related condition. Last evaluated: 2022-08-15. Review status: no assertion criteria provided. Collection method: clinical testing. Allele origin: germline. Not counted in ClinVar's aggregate classification.
Comment: This variant is classified as likely benign based on ACMG/AMP sequence variant interpretation guidelines (Richards et al. 2015 PMID: 25741868, with internal and published modifications).

Dr. Peter K. Rogan Lab, Western University
No classification provided (evidence only). Condition: Hepatocellular carcinoma. Review status: no classification provided. Collection method: in vitro. Allele origin: not applicable. Functional consequence: retained intron. Not counted in ClinVar's aggregate classification.

Literature cited by the submitters: PubMed 32766464 (cited by Athena Diagnostics).

NM_021098.3(CACNA1H):c.2338G>T (p.Val780Phe)

Gene: CACNA1H (calcium voltage-gated channel subunit alpha1 H; plus strand). Cytogenetic location: 16p13.3.
Variant type: single nucleotide variant.
Coding change: c.2338G>T on transcript NM_021098.3 (MANE Select); coding-DNA position 2338, G replaced by T.
Protein change: p.Val780Phe; replaces valine 780 with phenylalanine.
Molecular consequence: missense variant.
Genome position (GRCh38, 1-based): chr16:1,204,345, G>T. VCF-style: chr16-1204345-G-T. GRCh37 (hg19) VCF-style: chr16-1254345-G-T.
Other names: c.2338G>T, p.Val780Phe (NM_001005407.2); short protein forms V780F.
Identifiers: ClinVar variation 460062 (VCV000460062.17), dbSNP rs60534546, ClinGen allele CA7800206.
Genomic context (GRCh38, chr16:1,204,345, plus strand): 5'-CAGCGGCGGGCACAGCAGAGGGCAGCCCCGGGCGAGCCAGGCTGGATGGGCCGCCTCTGG[G>T]TTACCTTCAGCGGCAAGCTGCGCCGCATCGTGGACAGCAAGTACTTCAGCCGTGGCATCA-3'
Protein context (NP_066921.2, residues 770-790): GEPGWMGRLW[Val780Phe]TFSGKLRRIV